The following is an entry in ClinVar:

NM_004820.5(CYP7B1):c.1074del (p.Ala359fs)

Gene: CYP7B1 (cytochrome P450 family 7 subfamily B member 1; minus strand). Cytogenetic location: 8q12.3.
Variant type: Deletion.
Coding change: c.1074del on transcript NM_004820.5 (MANE Select); coding-DNA position 1074, one base deleted (A; older notation c.1074delA).
Protein change: p.Ala359fs; shifts the reading frame from alanine 359.
Molecular consequence: frameshift variant.
Genome position (GRCh38, 1-based): chr8:64,604,841, T deleted on the plus strand (A on the coding strand, the reverse complement: CYP7B1 is on the minus strand); the first of 2 consecutive T bases (chr8:64,604,841-64,604,842); deleting either gives the same sequence. VCF-style (leftmost placement, unchanged base first): chr8-64604840-CT-C. GRCh37 (hg19) VCF-style: chr8-65517397-CT-C.
Other names: c.1074del, p.Ala359fs (NM_001324112.2); short protein forms A359fs.
Identifiers: ClinVar variation 2794110 (VCV002794110.3), dbSNP rs1356135634, ClinGen allele CA582458722.
Genomic context (GRCh38, chr8:64,604,840, plus strand): 5'-TGAGAGTCAAATCCTCCTCAACAAAACGAATGGTGGTTGAATATGAGGACAGTCGTAAAG[CT>C]TCAAAAATGCTGCTTTCTGAAGGAAAAAAACAAACGATAGCTTATTAAGATAGGGCTGGT-3'

ClinVar aggregate classification (germline): Pathogenic (1 of 4 stars; one submission).

Conditions:
Spastic paraplegia. Identifiers: MedGen C0037772, HP:0001258.

Submission:

Labcorp Genetics (formerly Invitae), Labcorp
Classification: Pathogenic for Spastic paraplegia. Last evaluated: 2024-01-22. Review status: criteria provided, single submitter. Criteria: Invitae Variant Classification Sherloc (09022015). Collection method: clinical testing. Allele origin: germline.
Comment: This sequence change creates a premature translational stop signal (p.Ala359Leufs*18) in the CYP7B1 gene. It is expected to result in an absent or disrupted protein product. Loss-of-function variants in CYP7B1 are known to be pathogenic (PMID: 9802883, 19363635, 19439420, 21541746, 21567895, 28039895). This variant is present in population databases (no rsID available, gnomAD 0.06%). This variant has not been reported in the literature in individuals affected with CYP7B1-related conditions. For these reasons, this variant has been classified as Pathogenic.

Literature cited by the submitters: PubMed 9802883; PubMed 19363635; PubMed 19439420; PubMed 21541746; PubMed 21567895; PubMed 28039895.